The following is an entry in ClinVar:

ClinVar aggregate classification (germline): Uncertain significance (1 of 4 stars; one submission).

gnomAD v4.1: 2 of 1,614,156 alleles (0.00012%); highest among the groups gnomAD compares: Admixed American, 0.0033%; no homozygotes.

Submission:

Labcorp Genetics (formerly Invitae), Labcorp
Classification: Uncertain significance. Last evaluated: 2022-05-27. Review status: criteria provided, single submitter. Criteria: Invitae Variant Classification Sherloc (09022015). Collection method: clinical testing. Allele origin: germline.
Comment: This sequence change replaces glycine, which is neutral and non-polar, with alanine, which is neutral and non-polar, at codon 71 of the NAXD protein (p.Gly71Ala). This variant is present in population databases (no rsID available, gnomAD 0.003%). This variant has not been reported in the literature in individuals affected with NAXD-related conditions. Algorithms developed to predict the effect of missense changes on protein structure and function (SIFT, PolyPhen-2, Align-GVGD) all suggest that this variant is likely to be disruptive. Algorithms developed to predict the effect of sequence changes on RNA splicing suggest that this variant may disrupt the consensus splice site. In summary, the available evidence is currently insufficient to determine the role of this variant in disease. Therefore, it has been classified as a Variant of Uncertain Significance.

NM_001242882.2(NAXD):c.158G>C (p.Gly53Ala)

Gene: NAXD (NAD(P)HX dehydratase; plus strand). Cytogenetic location: 13q34.
Variant type: single nucleotide variant.
Coding change: c.158G>C on transcript NM_001242882.2 (MANE Select); coding-DNA position 158, G replaced by C.
Protein change: p.Gly53Ala; replaces glycine 53 with alanine.
Molecular consequence: missense variant. On other transcripts: non-coding transcript variant (2), intron variant (1).
Genome position (GRCh38, 1-based): chr13:110,622,327, G>C. VCF-style: chr13-110622327-G-C. GRCh37 (hg19) VCF-style: chr13-111274674-G-C.
Other names: c.212G>C, p.Gly71Ala (NM_001242881.2, NM_018210.4); c.57-5112G>C (NM_001242883.2); short protein forms G71A, G53A.
Identifiers: ClinVar variation 1474459 (VCV001474459.8), dbSNP rs754339527, ClinGen allele CA388729827.